The following is an entry in ClinVar:

NM_000166.6(GJB1):c.132G>C (p.Trp44Cys)

Gene: GJB1 (gap junction protein beta 1; plus strand). Cytogenetic location: Xq13.1.
Variant type: single nucleotide variant.
Coding change: c.132G>C on transcript NM_000166.6 (MANE Select); coding-DNA position 132, G replaced by C.
Protein change: p.Trp44Cys; replaces tryptophan 44 with cysteine.
Molecular consequence: missense variant.
Genome position (GRCh38, 1-based): chrX:71,223,839, G>C. VCF-style: chrX-71223839-G-C. GRCh37 (hg19) VCF-style: chrX-70443689-G-C.
Other names: c.132G>C, p.Trp44Cys (NM_001097642.3); short protein forms W44C.
Identifiers: ClinVar variation 245761 (VCV000245761.12), dbSNP rs879253935, ClinGen allele CA10584635.

ClinVar aggregate classification (germline): Likely pathogenic. Review status: criteria provided, multiple submitters, no conflicts (2 of 4 stars). 3 submissions from 3 submitters: Likely pathogenic (2). 1 of the submissions does not count toward it. Last evaluated 2019-11-29.

Conditions:
Charcot-Marie-Tooth disease. Also called: Charcot-Marie-Tooth Neuropathy; Charcot-Marie-Tooth Hereditary Neuropathy. Identifiers: Orphanet 166, MedGen C0007959, MONDO:0015626.
Charcot-Marie-Tooth Neuropathy X. Identifiers: MedGen CN118851.

Submissions (3):

Labcorp Genetics (formerly Invitae), Labcorp
Classification: Likely pathogenic for Charcot-Marie-Tooth Neuropathy X. Last evaluated: 2019-11-29. Review status: criteria provided, single submitter. Criteria: Invitae Variant Classification Sherloc (09022015). Collection method: clinical testing. Allele origin: germline.
Comment: In summary, the currently available evidence indicates that the variant is pathogenic, but additional data are needed to prove that conclusively. Therefore, this variant has been classified as Likely Pathogenic. This variant disrupts the p.Trp44 amino acid residue in GJB1. Other variant(s) that disrupt this residue have been observed in individuals with GJB1-related conditions (PMID: 23011429), which suggests that this may be a clinically significant amino acid residue. Advanced modeling of protein sequence and biophysical properties (such as structural, functional, and spatial information, amino acid conservation, physicochemical variation, residue mobility, and thermodynamic stability) performed at Invitae indicates that this missense variant is expected to disrupt GJB1 protein function. This variant has been observed in individual(s) with hereditary motor sensory neuropathy (PMID: 23011429). ClinVar contains an entry for this variant (Variation ID: 245761). This variant is not present in population databases (ExAC no frequency). This sequence change replaces tryptophan with cysteine at codon 44 of the GJB1 protein (p.Trp44Cys). The tryptophan residue is highly conserved and there is a large physicochemical difference between tryptophan and cysteine.

GeneDx
Classification: Likely pathogenic. Last evaluated: 2015-05-18. Review status: criteria provided, single submitter. Criteria: GeneDx Variant Classification (06012015). Collection method: clinical testing. Allele origin: germline. Affected: yes.
Comment: The W44C variant has been reported previously in association with CMTX1 (Stenson et al., 2014). Additionally, a different amino acid substitution at the same position (W44L) and many nearby missense variant (A40T/V, E41K/D, S42C, V43M, D46G, E47G, S49P/Y) have been published in association with CMT (Stenson et al., 2014). W44C was not observed in approximately 6,500 individuals of European and African American ancestry in the NHLBI Exome Sequencing Project, indicating it is not a common benign variant in these populations. The W44C variant is a non-conservative amino acid substitution, which is likely to impact secondary protein structure as these residues differ in polarity, charge, size and/or other properties. This substitution occurs at a position that is conserved across species, and in silico analysis predicts this variant is probably damaging to the protein structure/function. Therefore, this variant is a strong candidate for a pathogenic variant, however the possibility that it is a benign variant cannot be excluded.

Inherited Neuropathy Consortium
Classification: Uncertain significance for Charcot-Marie-Tooth disease. Review status: no assertion criteria provided. Collection method: literature only. Allele origin: germline. Affected: yes. Not counted in ClinVar's aggregate classification.

Literature cited by the submitters: PubMed 23011429 (cited by Labcorp Genetics (formerly Invitae), Labcorp and Inherited Neuropathy Consortium).